The following is an entry in ClinVar:

NM_001303256.3(MORC2):c.2372C>G (p.Ala791Gly)

Gene: MORC2 (MORC family CW-type zinc finger 2; minus strand). Cytogenetic location: 22q12.2.
Variant type: single nucleotide variant.
Coding change: c.2372C>G on transcript NM_001303256.3 (MANE Select); coding-DNA position 2372, C replaced by G.
Protein change: p.Ala791Gly; replaces alanine 791 with glycine.
Molecular consequence: missense variant.
Genome position (GRCh38, 1-based): chr22:30,933,474, G>C on the plus strand (C>G on the coding strand, the complement: MORC2 is on the minus strand). VCF-style: chr22-30933474-G-C. GRCh37 (hg19) VCF-style: chr22-31329461-G-C.
Other names: c.2372C>G, p.Ala791Gly (NM_001303257.2); c.2186C>G, p.Ala729Gly (NM_014941.3); short protein forms A791G, A729G.
Identifiers: ClinVar variation 2007505 (VCV002007505.4), dbSNP rs772600152, ClinGen allele CA323270040.

ClinVar aggregate classification (germline): Uncertain significance (1 of 4 stars; one submission).

Conditions:
Charcot-Marie-Tooth disease axonal type 2Z. Also called: CHARCOT-MARIE-TOOTH DISEASE, AXONAL, AUTOSOMAL DOMINANT, TYPE 2Z; CHARCOT-MARIE-TOOTH NEUROPATHY, TYPE 2Z. Identifiers: Orphanet 466768, MedGen C5569025, MONDO:0014736, OMIM 616688.

gnomAD v4.1: 2 of 1,613,780 alleles (0.00012%); highest among the groups gnomAD compares: Non-Finnish European, 0.00017%; no homozygotes.

Submission:

Labcorp Genetics (formerly Invitae), Labcorp
Classification: Uncertain significance for Charcot-Marie-Tooth disease axonal type 2Z. Last evaluated: 2022-06-16. Review status: criteria provided, single submitter. Criteria: Invitae Variant Classification Sherloc (09022015). Collection method: clinical testing. Allele origin: germline.
Comment: This sequence change replaces alanine, which is neutral and non-polar, with glycine, which is neutral and non-polar, at codon 791 of the MORC2 protein (p.Ala791Gly). This variant is not present in population databases (gnomAD no frequency). This variant has not been reported in the literature in individuals affected with MORC2-related conditions. Algorithms developed to predict the effect of missense changes on protein structure and function are either unavailable or do not agree on the potential impact of this missense change (SIFT: "Not Available"; PolyPhen-2: "Benign"; Align-GVGD: "Not Available"). Algorithms developed to predict the effect of sequence changes on RNA splicing suggest that this variant may create or strengthen a splice site. In summary, the available evidence is currently insufficient to determine the role of this variant in disease. Therefore, it has been classified as a Variant of Uncertain Significance.